The following is an entry in ClinVar:

ClinVar aggregate classification (germline): Uncertain significance (1 of 4 stars; one submission).

Conditions:
Familial hyperaldosteronism type III. Also called: Familial hyperaldosteronism type 3; FH III. Identifiers: Orphanet 251274, MedGen C3838758, MONDO:0013359, OMIM 613677.
Long QT syndrome 13 (LQT13). Identifiers: Orphanet 101016, Orphanet 768, MedGen C3150733, MONDO:0013279, OMIM 613485.

Submission:

Juno Genomics, Hangzhou Juno Genomics, Inc
Classification: Uncertain significance for Familial hyperaldosteronism type III; Long QT syndrome 13. Review status: criteria provided, single submitter. Criteria: ACMG Guidelines, 2015. Collection method: clinical testing. Allele origin: germline.
Comment: Absent from controls (or at extremely low frequency if recessive) in Genome Aggregation Database.;Multiple lines of computational evidence support a deleterious effect on the gene or gene product.

NM_000890.5(KCNJ5):c.236C>T (p.Thr79Ile)

Gene: KCNJ5 (potassium inwardly rectifying channel subfamily J member 5; plus strand). Cytogenetic location: 11q24.3.
Variant type: single nucleotide variant.
Coding change: c.236C>T on transcript NM_000890.5 (MANE Select); coding-DNA position 236, C replaced by T.
Protein change: p.Thr79Ile; replaces threonine 79 with isoleucine.
Molecular consequence: missense variant.
Genome position (GRCh38, 1-based): chr11:128,911,509, C>T. VCF-style: chr11-128911509-C-T. GRCh37 (hg19) VCF-style: chr11-128781404-C-T.
Other names: c.236C>T, p.Thr79Ile (NM_001354169.2); short protein forms T79I.
Identifiers: ClinVar variation 5007817 (VCV005007817.2).